The following is an entry in ClinVar:

NM_001111125.3(IQSEC2):c.3743G>A (p.Gly1248Asp)

Gene: IQSEC2 (IQ motif and Sec7 domain ArfGEF 2; minus strand). Cytogenetic location: Xp11.22.
Variant type: single nucleotide variant.
Coding change: c.3743G>A on transcript NM_001111125.3 (MANE Select); coding-DNA position 3743, G replaced by A.
Protein change: p.Gly1248Asp; replaces glycine 1248 with aspartic acid.
Molecular consequence: missense variant. On other transcripts: 3 prime UTR variant (1).
Genome position (GRCh38, 1-based): chrX:53,234,943, C>T on the plus strand (G>A on the coding strand, the complement: IQSEC2 is on the minus strand). VCF-style: chrX-53234943-C-T. GRCh37 (hg19) VCF-style: chrX-53264125-C-T.
Other names: c.*228G>A (NM_001410736.1, NM_015075.2); short protein forms G1248D.
Identifiers: ClinVar variation 2151788 (VCV002151788.4), dbSNP rs1556859206, ClinGen allele CA413141097.

ClinVar aggregate classification (germline): Uncertain significance (1 of 4 stars; one submission).

Conditions:
Intellectual developmental disorder, X-linked 1. Also called: Atkin Flaitz Patil Smith syndrome; Intellectual disability, X-linked 1; MENTAL RETARDATION, X-LINKED 18; MENTAL RETARDATION, X-LINKED 78. Identifiers: Orphanet 777, MedGen C2931498, MONDO:0010656, OMIM 309530.

Allele frequency attached by ClinVar (database versions not stated): gnomAD exomes below 0.00001; gnomAD 0.00002.
gnomAD v4.1: 6 of 1,165,486 alleles (0.00051%); highest among the groups gnomAD compares: Middle Eastern, 0.024%; no homozygotes.

Submission:

Labcorp Genetics (formerly Invitae), Labcorp
Classification: Uncertain significance for Intellectual developmental disorder, X-linked 1. Last evaluated: 2025-03-25. Review status: criteria provided, single submitter. Criteria: Invitae Variant Classification Sherloc (09022015). Collection method: clinical testing. Allele origin: germline.
Comment: This sequence change replaces glycine, which is neutral and non-polar, with aspartic acid, which is acidic and polar, at codon 1248 of the IQSEC2 protein (p.Gly1248Asp). This variant is not present in population databases (gnomAD no frequency). This variant has not been reported in the literature in individuals affected with IQSEC2-related conditions. ClinVar contains an entry for this variant (Variation ID: 2151788). Invitae Evidence Modeling of protein sequence and biophysical properties (such as structural, functional, and spatial information, amino acid conservation, physicochemical variation, residue mobility, and thermodynamic stability) indicates that this missense variant is not expected to disrupt IQSEC2 protein function with a negative predictive value of 95%. In summary, the available evidence is currently insufficient to determine the role of this variant in disease. Therefore, it has been classified as a Variant of Uncertain Significance.